The following is an entry in ClinVar:

ClinVar aggregate classification (germline): Uncertain significance (1 of 4 stars; one submission).

Conditions:
Hajdu-Cheney syndrome (HJCYS). Also called: ACROOSTEOLYSIS WITH OSTEOPOROSIS AND CHANGES IN SKULL AND MANDIBLE; SERPENTINE FIBULA-POLYCYSTIC KIDNEY SYNDROME; Acroosteolysis dominant type. Identifiers: Orphanet 955, MedGen C0917715, MONDO:0007057, OMIM 102500.

Submission:

Labcorp Genetics (formerly Invitae), Labcorp
Classification: Uncertain significance for Hajdu-Cheney syndrome. Last evaluated: 2023-02-03. Review status: criteria provided, single submitter. Criteria: Invitae Variant Classification Sherloc (09022015). Collection method: clinical testing. Allele origin: germline.
Comment: Advanced modeling of protein sequence and biophysical properties (such as structural, functional, and spatial information, amino acid conservation, physicochemical variation, residue mobility, and thermodynamic stability) performed at Invitae indicates that this missense variant is not expected to disrupt NOTCH2 protein function. In summary, the available evidence is currently insufficient to determine the role of this variant in disease. Therefore, it has been classified as a Variant of Uncertain Significance. This variant has not been reported in the literature in individuals affected with NOTCH2-related conditions. This sequence change replaces asparagine, which is neutral and polar, with lysine, which is basic and polar, at codon 840 of the NOTCH2 protein (p.Asn840Lys). This variant is not present in population databases (gnomAD no frequency).

NM_024408.4(NOTCH2):c.2520C>A (p.Asn840Lys)

Gene: NOTCH2 (notch receptor 2; minus strand). Cytogenetic location: 1p12.
Variant type: single nucleotide variant.
Coding change: c.2520C>A on transcript NM_024408.4 (MANE Select); coding-DNA position 2520, C replaced by A.
Protein change: p.Asn840Lys; replaces asparagine 840 with lysine.
Molecular consequence: missense variant.
Genome position (GRCh38, 1-based): chr1:119,949,086, G>T on the plus strand (C>A on the coding strand, the complement: NOTCH2 is on the minus strand). VCF-style: chr1-119949086-G-T. GRCh37 (hg19) VCF-style: chr1-120491709-G-T.
Other names: c.2520C>A, p.Asn840Lys (NM_001200001.2); short protein forms N840K.
Identifiers: ClinVar variation 2807483 (VCV002807483.3), dbSNP rs2101115681, ClinGen allele CA341859493.